The following is an entry in ClinVar:

NM_001371242.2(CRYBG1):c.2636C>A (p.Pro879His)

Genes: CRYBG1 (crystallin beta-gamma domain containing 1; plus strand), LOC126859757 (CDK7 strongly-dependent group 2 enhancer GRCh37_chr6:106967140-106968339; plus strand). Cytogenetic location: 6q21.
Variant type: single nucleotide variant.
Coding change: c.2636C>A on transcript NM_001371242.2 (MANE Select); coding-DNA position 2636, C replaced by A.
Protein change: p.Pro879His; replaces proline 879 with histidine.
Molecular consequence: missense variant.
Genome position (GRCh38, 1-based): chr6:106,519,844, C>A. VCF-style: chr6-106519844-C-A. GRCh37 (hg19) VCF-style: chr6-106967719-C-A.
Other names: c.1412C>A, p.Pro471His (NM_001624.4); short protein forms P471H, P879H.
Identifiers: ClinVar variation 3025979 (VCV003025979.22), dbSNP rs941622898, ClinGen allele CA144958485.

ClinVar aggregate classification (germline): Uncertain significance (1 of 4 stars; one submission).

Allele frequency attached by ClinVar (database versions not stated): TOPMed 0.00001.

Submission:

CeGaT Center for Human Genetics Tuebingen
Classification: Uncertain significance. Last evaluated: 2024-02-01. Review status: criteria provided, single submitter. Criteria: CeGaT Center For Human Genetics Tuebingen Variant Classification Criteria Version 2. Collection method: clinical testing. Allele origin: germline. Affected: yes. Observed: 1 variant allele.
Comment: CRYBG1: PM2, BP4